The following is an entry in ClinVar:

NM_000426.4(LAMA2):c.8358-3_8358-2del

Gene: LAMA2 (laminin subunit alpha 2; plus strand). Cytogenetic location: 6q22.33.
Variant type: Microsatellite.
Coding change: c.8358-3_8358-2del on transcript NM_000426.4 (MANE Select); 3 bases into the intron before coding-DNA position 8358 through the canonical splice acceptor site of the intron before coding-DNA position 8358, 2 bases deleted (CA; older notation c.8358-3_8358-2delCA).
Molecular consequence: splice acceptor variant.
Genome position (GRCh38, 1-based): chr6:129,503,088-129,503,089, CA deleted; deleting any 2 consecutive bases within chr6:129,503,086-129,503,089 gives the same sequence; the c. name uses the placement nearest the transcript's 3' end. VCF-style (leftmost placement, unchanged base first): chr6-129503085-TCA-T. GRCh37 (hg19) VCF-style: chr6-129824230-TCA-T.
Other names: c.8346-3_8346-2del (NM_001079823.2).
Identifiers: ClinVar variation 2173591 (VCV002173591.1), dbSNP rs1015023996, ClinGen allele CA146923810.

ClinVar aggregate classification (germline): Uncertain significance (1 of 4 stars; one submission).

Conditions:
LAMA2-related muscular dystrophy (LAMA2-RD). Also called: Laminin alpha 2-related dystrophy. Identifiers: MedGen C5679788, MONDO:0100228.

Submission:

Labcorp Genetics (formerly Invitae), Labcorp
Classification: Uncertain significance for LAMA2-related muscular dystrophy. Last evaluated: 2022-06-28. Review status: criteria provided, single submitter. Criteria: Invitae Variant Classification Sherloc (09022015). Collection method: clinical testing. Allele origin: germline.
Comment: This sequence change falls in intron 59 of the LAMA2 gene. It does not directly change the encoded amino acid sequence of the LAMA2 protein. It affects a nucleotide within the consensus splice site. This variant is present in population databases (no rsID available, gnomAD 0.01%). This variant has not been reported in the literature in individuals affected with LAMA2-related conditions. Variants that disrupt the consensus splice site are a relatively common cause of aberrant splicing (PMID: 17576681, 9536098). Experimental studies and prediction algorithms are not available or were not evaluated, and the effect of this variant on mRNA splicing is currently unknown. In summary, the available evidence is currently insufficient to determine the role of this variant in disease. Therefore, it has been classified as a Variant of Uncertain Significance.

Literature cited by the submitters: PubMed 17576681; PubMed 9536098.